The following is an entry in ClinVar:

NM_014049.5(ACAD9):c.292_293del (p.Leu98fs)

Gene: ACAD9 (acyl-CoA dehydrogenase family member 9; plus strand). Cytogenetic location: 3q21.3.
Variant type: Deletion.
Coding change: c.292_293del on transcript NM_014049.5 (MANE Select); coding-DNA positions 292 to 293, 2 bases deleted (TT; older notation c.292_293delTT).
Protein change: p.Leu98fs; shifts the reading frame from leucine 98.
Molecular consequence: frameshift variant. On other transcripts: 5 prime UTR variant (1), non-coding transcript variant (1).
Genome position (GRCh38, 1-based): chr3:128,893,602-128,893,603, TT deleted; deleting any 2 consecutive bases within chr3:128,893,601-128,893,603 gives the same sequence; the c. name uses the placement nearest the transcript's 3' end. VCF-style (leftmost placement, unchanged base first): chr3-128893600-CTT-C. GRCh37 (hg19) VCF-style: chr3-128612443-CTT-C.
Other names: c.-78_-77del (NM_001410805.1); short protein forms L98fs.
Identifiers: ClinVar variation 4815587 (VCV004815587.1).

ClinVar aggregate classification (germline): Likely pathogenic (1 of 4 stars; one submission).

Conditions:
Acyl-CoA dehydrogenase 9 deficiency. Also called: Acyl-CoA dehydrogenase family, member 9, deficiency of; MITOCHONDRIAL COMPLEX I DEFICIENCY, NUCLEAR TYPE 20. Identifiers: Orphanet 99901, MedGen C4747517, MONDO:0012624, OMIM 611126.

Submission:

Natera, Inc.
Classification: Likely pathogenic for ACAD9 deficiency. Last evaluated: 2025-10-16. Review status: criteria provided, single submitter. Criteria: Natera Variant Classification Schema (03/2026). Collection method: clinical testing. Allele origin: germline.
Comment: The c.292_293del variant in ACAD9 is a frameshift variant predicted to shift the reading frame beginning at codon 98 and leads to a stop codon 61 codons downstream. This variant is expected to result in nonsense mediated decay, truncation, or a dysfunctional protein product. This variant is rare in the general population with a frequency below the threshold expected for the associated phenotype(s). Given the available evidence, this variant is classified as Likely Pathogenic.